The following is an entry in ClinVar:

NM_001267550.2(TTN):c.23894A>G (p.Asn7965Ser)

Gene: TTN (titin; minus strand). Cytogenetic location: 2q31.2.
Variant type: single nucleotide variant.
Coding change: c.23894A>G on transcript NM_001267550.2 (MANE Select); coding-DNA position 23894, A replaced by G.
Protein change: p.Asn7965Ser; replaces asparagine 7965 with serine.
Molecular consequence: missense variant. On other transcripts: intron variant (3).
Genome position (GRCh38, 1-based): chr2:178,719,598, T>C on the plus strand (A>G on the coding strand, the complement: TTN is on the minus strand). VCF-style: chr2-178719598-T-C. GRCh37 (hg19) VCF-style: chr2-179584325-T-C.
Other names: p.N7648S:AAC>AGC; c.22943A>G, p.Asn7648Ser (NM_001256850.1); c.20162A>G, p.Asn6721Ser (NM_133378.4); c.13282+18484A>G (NM_003319.4); c.13858+18484A>G (NM_133437.4); c.13657+18484A>G (NM_133432.3); short protein forms N7648S, N7965S, N6721S.
Identifiers: ClinVar variation 203327 (VCV000203327.2), dbSNP rs794729630, ClinGen allele CA312049.

ClinVar aggregate classification (germline): Uncertain significance (1 of 4 stars; one submission).

Submission:

GeneDx
Classification: Uncertain significance. Last evaluated: 2014-02-12. Review status: criteria provided, single submitter. Criteria: GeneDx Variant Classification (06012015). Collection method: clinical testing. Allele origin: germline. Affected: yes.
Comment: Missense variants in the TTN gene are considered 'unclassified' if they are not previously reported in the literature and do not have >1% frequency in the population to be considered a polymorphism. Research indicates that truncating mutations in the TTN gene are expected to account for approximately 25% of familial and 18% of sporadic idiopathic DCM; however, truncating variants in the TTN gene have been reported in approximately 3% of reported control alleles. There has been little investigation into non-truncating variants. (Herman D et al. Truncations of titin causing dilated cardiomyopathy. N Eng J Med 366:619-628, 2012) The variant is found in DCM-CRDM panel(s).